The following is an entry in ClinVar:

NM_001876.4(CPT1A):c.961G>A (p.Glu321Lys)

Gene: CPT1A (carnitine palmitoyltransferase 1A; minus strand). Cytogenetic location: 11q13.3.
Variant type: single nucleotide variant.
Coding change: c.961G>A on transcript NM_001876.4 (MANE Select); coding-DNA position 961, G replaced by A.
Protein change: p.Glu321Lys; replaces glutamic acid 321 with lysine.
Molecular consequence: missense variant.
Genome position (GRCh38, 1-based): chr11:68,793,321, C>T on the plus strand (G>A on the coding strand, the complement: CPT1A is on the minus strand). VCF-style: chr11-68793321-C-T. GRCh37 (hg19) VCF-style: chr11-68560789-C-T.
Other names: c.961G>A, p.Glu321Lys (NM_001031847.3); short protein forms E321K.
Identifiers: ClinVar variation 772230 (VCV000772230.18), dbSNP rs114030714, ClinGen allele CA6152473.
Genomic context (GRCh38, chr11:68,793,321, plus strand): 5'-CATAGGGATGGAAAGTGCCGATTCTCCAGGGGGCCCTGAAGAAGCTTGACTCACCTGTCT[C>T]CTCTCCTGGGATCCGGGAAGTATTAAACATCCGCTCCCACTGAGCGGAGCAGAGTGGAAT-3'
Protein context (NP_001867.2, residues 311-331): MFNTSRIPGE[Glu321Lys]TDTIQHMRDS

ClinVar aggregate classification (germline): Conflicting classifications of pathogenicity. Review status: criteria provided, conflicting classifications (1 of 4 stars). 5 submissions from 5 submitters: Uncertain significance (2); Likely benign (1). 2 of the submissions do not count toward it. Last evaluated 2026-01-13.

Conditions:
Carnitine palmitoyl transferase 1A deficiency. Also called: Carnitine palmitoyltransferase type I deficiency; CPT I DEFICIENCY; CPT DEFICIENCY, HEPATIC, TYPE I; Carnitine palmitoyltransferase 1A deficiency; CPT deficiency, hepatic, type IA. Identifiers: Orphanet 156, MedGen C1829703, MONDO:0009705, OMIM 255120.
CPT1A-related disorder. Also called: CPT1A-related condition.

Allele frequency attached by ClinVar (database versions not stated): gnomAD exomes 0.00007 and 0.00020; ExAC 0.00033; gnomAD 0.00077 and 0.00081; TOPMed 0.00088; ESP Exome Variant Server 0.00115; 1000 Genomes Project 30x 0.00125; 1000 Genomes Project 0.00140.
gnomAD v4.1: 224 of 1,610,020 alleles (0.014%); highest among the groups gnomAD compares: African/African-American, 0.27%; no homozygotes.

Submissions (5):

Labcorp Genetics (formerly Invitae), Labcorp
Classification: Likely benign for Carnitine palmitoyl transferase 1A deficiency. Last evaluated: 2026-01-13. Review status: criteria provided, single submitter. Criteria: Invitae Variant Classification Sherloc (09022015). Collection method: clinical testing. Allele origin: germline.

ARUP Laboratories, Molecular Genetics and Genomics, ARUP Laboratories
Classification: Uncertain significance for Carnitine palmitoyl transferase 1A deficiency. Last evaluated: 2025-04-17. Review status: criteria provided, single submitter. Criteria: ARUP Molecular Germline Variant Investigation Process 2024. Collection method: clinical testing. Allele origin: germline.
Comment: The CPT1A c.961G>A; p.Glu321Lys variant (rs114030714), to our knowledge, is not reported in the medical literature but is reported in ClinVar (Variation ID: 772230). This variant is found in the African/African-American population with an allele frequency of 0.3% (76/24,400 alleles) in the Genome Aggregation Database (v2.1.1). Computational analyses predict that this variant is deleterious (REVEL: 0.713). However, given the lack of clinical and functional data, the significance of this variant is uncertain at this time.

GeneDx
Classification: Uncertain significance. Last evaluated: 2020-04-14. Review status: criteria provided, single submitter. Criteria: GeneDx Variant Classification Process June 2021. Collection method: clinical testing. Allele origin: germline. Affected: yes.
Comment: Has not been previously published as pathogenic or benign to our knowledge; The majority of missense variants in this gene are considered pathogenic (Stenson et al., 2014); In silico analysis, which includes protein predictors and evolutionary conservation, supports a deleterious effect

PreventionGenetics, part of Exact Sciences
Classification: Likely benign for CPT1A-related condition. Last evaluated: 2022-03-18. Review status: no assertion criteria provided. Collection method: clinical testing. Allele origin: germline. Not counted in ClinVar's aggregate classification.
Comment: This variant is classified as likely benign based on ACMG/AMP sequence variant interpretation guidelines (Richards et al. 2015 PMID: 25741868, with internal and published modifications).

Natera, Inc.
Classification: Uncertain significance for Carnitine palmitoyltransferase type I deficiency. Last evaluated: 2020-01-24. Review status: no assertion criteria provided. Collection method: clinical testing. Allele origin: germline. Not counted in ClinVar's aggregate classification.